The following is an entry in ClinVar:

NM_015176.4(FBXO28):c.1043G>T (p.Arg348Leu)

Gene: FBXO28 (F-box protein 28; plus strand). Cytogenetic location: 1q42.11.
Variant type: single nucleotide variant.
Coding change: c.1043G>T on transcript NM_015176.4 (MANE Select); coding-DNA position 1043, G replaced by T.
Protein change: p.Arg348Leu; replaces arginine 348 with leucine.
Molecular consequence: missense variant. On other transcripts: 3 prime UTR variant (1), non-coding transcript variant (1).
Genome position (GRCh38, 1-based): chr1:224,157,682, G>T. VCF-style: chr1-224157682-G-T. GRCh37 (hg19) VCF-style: chr1-224345384-G-T.
Other names: c.*307G>T (NM_001136115.3); short protein forms R348L.
Identifiers: ClinVar variation 521663 (VCV000521663.34), dbSNP rs1553292987, ClinGen allele CA344706196.
Genomic context (GRCh38, chr1:224,157,682, plus strand): 5'-TGGAAAGTGCTGTAGGAAATTCCTCAGGGTCCGGGCAGAATGAGGAGTCTCCTCGGAAAC[G>T]AAAAAAGGCCACGGAAGCCATAGACTCTCTTAGGAAATCTAAACGTCTTCGGAATAGAAA-3'
Protein context (NP_055991.1, residues 338-358): SGQNEESPRK[Arg348Leu]KKATEAIDSL

ClinVar aggregate classification (germline): Likely pathogenic. Review status: criteria provided, multiple submitters, no conflicts (2 of 4 stars). 4 submissions from 4 submitters: Likely pathogenic (3). 1 of the submissions does not count toward it. Last evaluated 2024-11-19.

Conditions:
Developmental and epileptic encephalopathy 100 (DEE100). Identifiers: MedGen C5676932, MONDO:0030695, OMIM 619777.
Inborn genetic diseases. Identifiers: MedGen C0950123, MeSH D030342.

Submissions (4):

Ambry Genetics
Classification: Likely pathogenic for Inborn genetic diseases. Last evaluated: 2024-11-19. Review status: criteria provided, single submitter. Criteria: Ambry Variant Classification Scheme 2023. Collection method: clinical testing. Allele origin: germline.
Comment: The c.1043G>T (p.R348L) alteration is located in coding exon 5 of the FBXO28 gene. This alteration results from a G to T substitution at nucleotide position 1043, causing the arginine (R) at amino acid position 348 to be replaced by a leucine (L). This variant was not reported in population-based cohorts in the Genome Aggregation Database (gnomAD). This variant has been reported in two unrelated individuals with clinical features of FBXO28-related developmental and epileptic encephalopathy including but not limited to seizures, developmental delays with and without regression, intellectual disabilities, movement disorders, and abnormal findings on EEG and/or brain MRI. This was a de novo finding in one proband while the other proband was determined to be a low level paternal mosaicism case (Schneider, 2021; Ambry internal data). This amino acid position is highly conserved in available vertebrate species. The in silico prediction for this alteration is inconclusive. Based on the available evidence, this alteration is classified as likely pathogenic.

CeGaT Center for Human Genetics Tuebingen
Classification: Likely pathogenic. Last evaluated: 2023-06-01. Review status: criteria provided, single submitter. Criteria: CeGaT Center For Human Genetics Tuebingen Variant Classification Criteria Version 2. Collection method: clinical testing. Allele origin: germline. Affected: yes. Observed: 1 variant allele.
Comment: FBXO28: PS2, PM2, PM5:Supporting, PS4:Supporting

Genetics Laboratory, UDIAT-Centre Diagnòstic, Hospital Universitari Parc Tauli
Classification: Likely pathogenic. Last evaluated: 2021-04-26. Review status: criteria provided, single submitter. Criteria: Parc Tauli Hospital Assertion Criteria 2021. Collection method: clinical testing. Allele origin: de novo. Inheritance: Autosomal dominant inheritance. Affected: yes. Observed: 1 heterozygote.
Comment: PS2_strong;PM2_supporting;PM6_moderate;PM5_moderate;PP2_supporting

OMIM
Classification: Pathogenic for DEVELOPMENTAL AND EPILEPTIC ENCEPHALOPATHY 100. Last evaluated: 2022-03-09. Review status: no assertion criteria provided. Collection method: literature only. Allele origin: germline. Not counted in ClinVar's aggregate classification.

Literature cited by the submitters: PubMed 25356899 (cited by Ambry Genetics); PubMed 33280099 (cited by 3 submitters).